The following is an entry in ClinVar:

NM_000053.4(ATP7B):c.4337A>G (p.Asp1446Gly)

Gene: ATP7B (ATPase copper transporting beta; minus strand). Cytogenetic location: 13q14.3.
Variant type: single nucleotide variant.
Coding change: c.4337A>G on transcript NM_000053.4 (MANE Select); coding-DNA position 4337, A replaced by G.
Protein change: p.Asp1446Gly; replaces aspartic acid 1446 with glycine.
Molecular consequence: missense variant.
Genome position (GRCh38, 1-based): chr13:51,934,817, T>C on the plus strand (A>G on the coding strand, the complement: ATP7B is on the minus strand). VCF-style: chr13-51934817-T-C. GRCh37 (hg19) VCF-style: chr13-52508953-T-C.
Other names: c.3716A>G, p.Asp1239Gly (NM_001005918.3); c.4004A>G, p.Asp1335Gly (NM_001243182.2); c.4103A>G, p.Asp1368Gly (NM_001330578.2, NM_001406527.1, NM_001406528.1); c.4085A>G, p.Asp1362Gly (NM_001330579.2, NM_001406531.1, NM_001406532.1); c.4337A>G, p.Asp1446Gly (NM_001406511.1, NM_001406512.1); c.4331A>G, p.Asp1444Gly (NM_001406513.1); c.4304A>G, p.Asp1435Gly (NM_001406514.1); c.4283A>G, p.Asp1428Gly (NM_001406515.1, NM_001406516.1); and 21 more; short protein forms D1016G, D1165G, D1219G, D1230G, D1239G, D1252G, D1282G, D1284G.
Identifiers: ClinVar variation 3073899 (VCV003073899.1), dbSNP rs766141109, ClinGen allele CA6988416.

ClinVar aggregate classification (germline): Uncertain significance (1 of 4 stars; one submission).

Conditions:
Wilson disease (WND). Also called: Wilson's disease. Identifiers: Orphanet 905, MedGen C0019202, MONDO:0010200, OMIM 277900. Disease mechanism: loss of function.

Allele frequency attached by ClinVar (database versions not stated): ExAC 0.00001; gnomAD exomes 0.00001.
gnomAD v4.1: 4 of 1,614,222 alleles (0.00025%); highest among the groups gnomAD compares: South Asian, 0.0044%; no homozygotes.

Submission:

All of Us Research Program, National Institutes of Health
Classification: Uncertain significance for Wilson disease. Last evaluated: 2023-11-30. Review status: criteria provided, single submitter. Criteria: ACMG Guidelines, 2015. Collection method: clinical testing. Allele origin: germline. Inheritance: Autosomal recessive inheritance. Observed: 1 variant allele, 1 heterozygote.
Comment: This study involves interpretation of variants in research participants for the purpose of population health screening. Participant phenotype was not available at the time of variant classification. Additional details can be found in publication PMID: 35346344, PMCID: PMC8962531